The following is an entry in ClinVar:

ClinVar aggregate classification (germline): Likely pathogenic (1 of 4 stars; one submission).

Conditions:
Niemann-Pick disease, type C1. Also called: NEUROVISCERAL STORAGE DISEASE WITH VERTICAL SUPRANUCLEAR OPHTHALMOPLEGIA; NIEMANN-PICK DISEASE WITH CHOLESTEROL ESTERIFICATION BLOCK; NIEMANN-PICK DISEASE WITHOUT SPHINGOMYELINASE DEFICIENCY; NIEMANN-PICK DISEASE, CHRONIC NEURONOPATHIC FORM; NIEMANN-PICK DISEASE, VARIANT TYPE C1. Identifiers: Orphanet 646, MedGen C3179455, MONDO:0009757, OMIM 257220.

Submission:

Myriad Genetics, Inc.
Classification: Likely pathogenic for Niemann-Pick disease, type C1. Last evaluated: 2022-02-19. Review status: criteria provided, single submitter. Criteria: Myriad Women's Health Autosomal Recessive and X-Linked Classification Criteria (2021). Collection method: clinical testing. Allele origin: unknown.
Comment: NM_000271.4(NPC1):c.315_317delGAAinsT(N106Pfs*4) is expected to be pathogenic in the context of Niemann-Pick disease type C1. This variant is predicted to lead to an abnormal or absent protein product due to the creation of a premature termination codon in NPC1, a gene where loss-of-function variants are known to be pathogenic. Please note: this variant was assessed in the context of healthy population screening.

NM_000271.5(NPC1):c.315_317delinsT (p.Asn106fs)

Gene: NPC1 (NPC intracellular cholesterol transporter 1; minus strand). Cytogenetic location: 18q11.2.
Variant type: Indel.
Coding change: c.315_317delinsT on transcript NM_000271.5 (MANE Select); coding-DNA positions 315 to 317, GAA replaced by T.
Protein change: p.Asn106fs; shifts the reading frame from asparagine 106.
Molecular consequence: frameshift variant.
Genome position (GRCh38, 1-based): chr18:23,568,969-23,568,971, TTC replaced by A on the plus strand (GAA replaced by T on the coding strand, the reverse complement: NPC1 is on the minus strand). VCF-style: chr18-23568969-TTC-A. GRCh37 (hg19) VCF-style: chr18-21148933-TTC-A.
Other names: short protein forms N106fs.
Identifiers: ClinVar variation 1724519 (VCV001724519.2), dbSNP rs2511341561, ClinGen allele CA2580095476.